The following is an entry in ClinVar:

NM_016938.5(EFEMP2):c.139C>T (p.Pro47Ser)

Gene: EFEMP2 (EGF-like fibulin extracellular matrix protein 2; minus strand). Cytogenetic location: 11q13.1.
Variant type: single nucleotide variant.
Coding change: c.139C>T on transcript NM_016938.5 (MANE Select); coding-DNA position 139, C replaced by T.
Protein change: p.Pro47Ser; replaces proline 47 with serine.
Molecular consequence: missense variant. On other transcripts: non-coding transcript variant (1).
Genome position (GRCh38, 1-based): chr11:65,871,991, G>A on the plus strand (C>T on the coding strand, the complement: EFEMP2 is on the minus strand). VCF-style: chr11-65871991-G-A. GRCh37 (hg19) VCF-style: chr11-65639462-G-A.
Other names: short protein forms P47S.
Identifiers: ClinVar variation 390442 (VCV000390442.104), dbSNP rs144320036, ClinGen allele CA6110776.

ClinVar aggregate classification (germline): Likely benign. Review status: criteria provided, multiple submitters, no conflicts (2 of 4 stars). 13 submissions from 13 submitters: Likely benign (9). 4 of the submissions do not count toward it. Last evaluated 2026-02-02.

Conditions:
EFEMP2-related disorder. Also called: EFEMP2-related condition.
Cutis laxa, autosomal recessive, type 1B (ARCL1B). Also called: EFEMP2-Related Cutis Laxa; CUTIS LAXA, AUTOSOMAL RECESSIVE, TYPE IB. Identifiers: Orphanet 90349, MedGen C3280798, MONDO:0013754, OMIM 614437. Disease mechanism: loss of function.
Cardiovascular phenotype. Identifiers: MedGen CN230736.

Allele frequency attached by ClinVar (database versions not stated): 1000 Genomes Project 0.00040; 1000 Genomes Project 30x 0.00062; ExAC 0.00092; ESP Exome Variant Server 0.00100; gnomAD 0.00103 and 0.00104; TOPMed 0.00113.

Submissions (13):

Labcorp Genetics (formerly Invitae), Labcorp
Classification: Likely benign for Cutis laxa, autosomal recessive, type 1B. Last evaluated: 2026-02-02. Review status: criteria provided, single submitter. Criteria: Invitae Variant Classification Sherloc (09022015). Collection method: clinical testing. Allele origin: germline.

CeGaT Center for Human Genetics Tuebingen
Classification: Likely benign. Last evaluated: 2025-10-01. Review status: criteria provided, single submitter. Criteria: CeGaT Center For Human Genetics Tuebingen Variant Classification Criteria Version 2. Collection method: clinical testing. Allele origin: germline. Affected: yes. Observed: 10 variant alleles.
Comment: EFEMP2: BP4, BS2

Molecular Diagnostic Laboratory for Inherited Cardiovascular Disease, Montreal Heart Institute
Classification: Likely benign. Last evaluated: 2025-07-24. Review status: criteria provided, single submitter. Criteria: ACMG Guidelines, 2015. Collection method: clinical testing. Allele origin: germline. Affected: no.
Comment: BS1;BP4

ARUP Laboratories, Molecular Genetics and Genomics, ARUP Laboratories
Classification: Likely benign for Cutis laxa, autosomal recessive, type 1B. Last evaluated: 2025-06-12. Review status: criteria provided, single submitter. Criteria: ARUP Molecular Germline Variant Investigation Process 2024. Collection method: clinical testing. Allele origin: germline.

Blueprint Genetics
Classification: Likely benign. Last evaluated: 2024-11-26. Review status: criteria provided, single submitter. Criteria: ACMG Guidelines, 2015. Collection method: clinical testing. Allele origin: germline.

Women's Health and Genetics/Laboratory Corporation of America, LabCorp
Classification: Likely benign. Last evaluated: 2023-10-19. Review status: criteria provided, single submitter. Criteria: LabCorp Variant Classification Summary - May 2015. Collection method: clinical testing. Allele origin: germline.
Comment: Variant summary: EFEMP2 c.139C>T (p.Pro47Ser) results in a non-conservative amino acid change in the encoded protein sequence. Four of five in-silico tools predict a benign effect of the variant on protein function. The variant allele was found at a frequency of 0.00097 in 156514 control chromosomes, predominantly at a frequency of 0.0017 within the Non-Finnish European subpopulation in the gnomAD database. The observed variant frequency within Non-Finnish European control individuals in the gnomAD database is approximately 2 fold of the estimated maximal expected allele frequency for a pathogenic variant in EFEMP2 causing Autosomal Recessive Cutis Laxa phenotype (0.00071), strongly suggesting that the variant is a benign polymorphism found primarily in populations of Non-Finnish European origin. To our knowledge, no occurrence of c.139C>T in individuals affected with Autosomal Recessive Cutis Laxa and no experimental evidence demonstrating its impact on protein function have been reported. At least one publication reports experimental evidence that this variant has no damaging effect on protein function (example: Sasaki_2016). The following publication has been ascertained in the context of this evaluation (PMID: 27339457). Six submitters have cited clinical-significance assessments for this variant to ClinVar after 2014 and classified the variant as likely benign (n=5) and VUS (n=1). Based on the evidence outlined above, the variant was classified as likely benign.

GeneDx
Classification: Likely benign. Last evaluated: 2022-03-23. Review status: criteria provided, single submitter. Criteria: GeneDx Variant Classification Process June 2021. Collection method: clinical testing. Allele origin: germline. Affected: yes.
Comment: This variant is associated with the following publications: (PMID: 27339457)

Ambry Genetics
Classification: Likely benign for Cardiovascular phenotype. Last evaluated: 2019-06-07. Review status: criteria provided, single submitter. Criteria: Ambry Variant Classification Scheme 2023. Collection method: clinical testing. Allele origin: germline.

Illumina Laboratory Services, Illumina
Classification: Likely benign for Cutis laxa, autosomal recessive, type 1B. Last evaluated: 2018-01-12. Review status: criteria provided, single submitter. Criteria: ICSL Variant Classification Criteria 13 December 2019. Collection method: clinical testing. Allele origin: germline.
Comment: This variant was observed in the ICSL laboratory as part of a predisposition screen in an ostensibly healthy population. It had not been previously curated by ICSL or reported in the Human Gene Mutation Database (HGMD: prior to June 1st, 2018), and was therefore a candidate for classification through an automated scoring system. Utilizing variant allele frequency, disease prevalence and penetrance estimates, and inheritance mode, an automated score was calculated to assess if this variant is too frequent to cause the disease. Based on the score and internal cut-off values, a variant classified as likely benign is not then subjected to further curation. The score for this variant resulted in a classification of likely benign for this disease.

PreventionGenetics, part of Exact Sciences
Classification: Likely benign for EFEMP2-related condition. Last evaluated: 2022-05-15. Review status: no assertion criteria provided. Collection method: clinical testing. Allele origin: germline. Not counted in ClinVar's aggregate classification.
Comment: This variant is classified as likely benign based on ACMG/AMP sequence variant interpretation guidelines (Richards et al. 2015 PMID: 25741868, with internal and published modifications).

Clinical Genetics DNA and cytogenetics Diagnostics Lab, Erasmus MC, Erasmus Medical Center
Classification: Likely benign. Review status: no assertion criteria provided. Collection method: clinical testing. Allele origin: germline. Affected: yes. Study: VKGL Data-share Consensus. Not counted in ClinVar's aggregate classification.

Genome Diagnostics Laboratory, Amsterdam University Medical Center
Classification: Likely benign. Review status: no assertion criteria provided. Collection method: clinical testing. Allele origin: germline. Affected: yes. Study: VKGL Data-share Consensus. Not counted in ClinVar's aggregate classification.

Joint Genome Diagnostic Labs from Nijmegen and Maastricht, Radboudumc and MUMC+
Classification: Likely benign. Review status: no assertion criteria provided. Collection method: clinical testing. Allele origin: germline. Affected: yes. Study: VKGL Data-share Consensus. Not counted in ClinVar's aggregate classification.

Literature cited by the submitters: PubMed 27339457 (cited by Women's Health and Genetics/Laboratory Corporation of America, LabCorp and Ambry Genetics).